The following is an entry in ClinVar:

ClinVar aggregate classification (germline): Uncertain significance (1 of 4 stars; one submission).

Submission:

GeneDx
Classification: Uncertain significance. Last evaluated: 2024-03-09. Review status: criteria provided, single submitter. Criteria: GeneDx Variant Classification Process June 2021. Collection method: clinical testing. Allele origin: germline. Affected: yes.
Comment: Not observed at significant frequency in large population cohorts (gnomAD); In silico analysis supports that this missense variant has a deleterious effect on protein structure/function; Has not been previously published as pathogenic or benign to our knowledge

NM_020987.5(ANK3):c.9165C>G (p.Ser3055Arg)

Gene: ANK3 (ankyrin 3; minus strand). Cytogenetic location: 10q21.2.
Variant type: single nucleotide variant.
Coding change: c.9165C>G on transcript NM_020987.5 (MANE Select); coding-DNA position 9165, C replaced by G.
Protein change: p.Ser3055Arg; replaces serine 3055 with arginine.
Molecular consequence: missense variant. On other transcripts: intron variant (4).
Genome position (GRCh38, 1-based): chr10:60,071,716, G>C on the plus strand (C>G on the coding strand, the complement: ANK3 is on the minus strand). VCF-style: chr10-60071716-G-C. GRCh37 (hg19) VCF-style: chr10-61831474-G-C.
Other names: c.4388-3707C>G (NM_001204403.2); c.4409-3707C>G (NM_001204404.2); c.4406-3707C>G (NM_001320874.2); c.1808-3707C>G (NM_001149.4); short protein forms S3055R.
Identifiers: ClinVar variation 3370768 (VCV003370768.1).